The following is an entry in ClinVar:

NM_053013.4(ENO3):c.444+1G>T

Gene: ENO3 (enolase 3; plus strand). Cytogenetic location: 17p13.2.
Variant type: single nucleotide variant.
Coding change: c.444+1G>T on transcript NM_053013.4 (MANE Select); the canonical splice donor site of the intron after coding-DNA position 444, G replaced by T.
Molecular consequence: splice donor variant.
Genome position (GRCh38, 1-based): chr17:4,953,846, G>T. VCF-style: chr17-4953846-G-T. GRCh37 (hg19) VCF-style: chr17-4857141-G-T.
Other names: c.471+1G>T (NM_001374524.1); c.444+1G>T (NM_001976.5, NM_001374523.1); c.315+1G>T (NM_001193503.2).
Identifiers: ClinVar variation 2100572 (VCV002100572.4), dbSNP rs766388133, ClinGen allele CA397287457.

ClinVar aggregate classification (germline): Uncertain significance (1 of 4 stars; one submission).

Conditions:
Glycogen storage disease due to muscle beta-enolase deficiency (GSD13). Also called: Glycogen Storage Disease Type XIII; ENOLASE 3 DEFICIENCY; ENOLASE-BETA DEFICIENCY; GSD XIII. Identifiers: Orphanet 99849, MedGen C2752027, MONDO:0013046, OMIM 612932.

Submission:

Labcorp Genetics (formerly Invitae), Labcorp
Classification: Uncertain significance for Glycogen storage disease due to muscle beta-enolase deficiency. Last evaluated: 2022-02-20. Review status: criteria provided, single submitter. Criteria: Invitae Variant Classification Sherloc (09022015). Collection method: clinical testing. Allele origin: germline.
Comment: This sequence change affects a donor splice site in intron 6 of the ENO3 gene. It is expected to disrupt RNA splicing. Variants that disrupt the donor or acceptor splice site typically lead to a loss of protein function (PMID: 16199547), however the current clinical and genetic evidence is not sufficient to establish whether loss-of-function variants in ENO3 cause disease. In summary, the available evidence is currently insufficient to determine the role of this variant in disease. Therefore, it has been classified as a Variant of Uncertain Significance. Algorithms developed to predict the effect of sequence changes on RNA splicing suggest that this variant may disrupt the consensus splice site. This variant has not been reported in the literature in individuals affected with ENO3-related conditions. This variant is not present in population databases (gnomAD no frequency).

Literature cited by the submitters: PubMed 16199547.